The following is an entry in ClinVar:

ClinVar aggregate classification (germline): Conflicting classifications of pathogenicity. Review status: criteria provided, conflicting classifications (1 of 4 stars). 3 submissions from 3 submitters: Uncertain significance (2); Likely benign (1). Last evaluated 2026-05-09.

Conditions:
Inborn genetic diseases. Identifiers: MedGen C0950123, MeSH D030342.
OSBPL2-related disorder. Also called: OSBPL2-related condition.

gnomAD v4.1: 23 of 1,583,682 alleles (0.0015%); highest among the groups gnomAD compares: Non-Finnish European, 0.0018%; no homozygotes.

Submissions (3):

PreventionGenetics, part of Exact Sciences
Classification: Uncertain significance for OSBPL2-related condition. Last evaluated: 2026-05-09. Review status: criteria provided, single submitter. Criteria: ACMG Guidelines, 2015. Collection method: clinical testing. Allele origin: germline.
Comment: The OSBPL2 c.1334A>G variant is predicted to result in the amino acid substitution p.Gln445Arg. To our knowledge, this variant has not been reported in the literature. This variant is reported in 0.0039% of alleles in individuals of European (Non-Finnish) descent in gnomAD. At this time, the clinical significance of this variant is uncertain due to the absence of conclusive functional and genetic evidence.

Labcorp Genetics (formerly Invitae), Labcorp
Classification: Uncertain significance. Last evaluated: 2025-09-29. Review status: criteria provided, single submitter. Criteria: Invitae Variant Classification Sherloc (09022015). Collection method: clinical testing. Allele origin: germline.
Comment: This sequence change replaces glutamine, which is neutral and polar, with arginine, which is basic and polar, at codon 445 of the OSBPL2 protein (p.Gln445Arg). This variant is present in population databases (rs141170235, gnomAD 0.002%). This variant has not been reported in the literature in individuals affected with OSBPL2-related conditions. ClinVar contains an entry for this variant (Variation ID: 3926519). An algorithm developed to predict the effect of missense changes on protein structure and function outputs the following: PolyPhen-2: "Benign". The arginine amino acid residue is found in multiple mammalian species, which suggests that this missense change does not adversely affect protein function. In summary, the available evidence is currently insufficient to determine the role of this variant in disease. Therefore, it has been classified as a Variant of Uncertain Significance.

Ambry Genetics
Classification: Likely benign for Inborn genetic diseases. Last evaluated: 2025-05-29. Review status: criteria provided, single submitter. Criteria: Ambry Variant Classification Scheme 2023. Collection method: clinical testing. Allele origin: germline.

NM_144498.4(OSBPL2):c.1334A>G (p.Gln445Arg)

Gene: OSBPL2 (oxysterol binding protein like 2; plus strand). Cytogenetic location: 20q13.33.
Variant type: single nucleotide variant.
Coding change: c.1334A>G on transcript NM_144498.4 (MANE Select); coding-DNA position 1334, A replaced by G.
Protein change: p.Gln445Arg; replaces glutamine 445 with arginine.
Molecular consequence: missense variant.
Genome position (GRCh38, 1-based): chr20:62,291,787, A>G. VCF-style: chr20-62291787-A-G. GRCh37 (hg19) VCF-style: chr20-60866843-A-G.
Other names: c.1334A>G (NM_144498.2); c.934A>G, p.Arg312Gly (NM_001278649.3); c.1058A>G, p.Gln353Arg (NM_001363878.2); c.1298A>G, p.Gln433Arg (NM_014835.5); short protein forms Q445R, Q353R, Q433R, R312G.
Identifiers: ClinVar variation 3926519 (VCV003926519.3).